The following is an entry in ClinVar:

NM_021728.4(OTX2):c.130dup (p.Arg44fs)

Gene: OTX2 (orthodenticle homeobox 2; minus strand). Cytogenetic location: 14q22.3.
Variant type: Duplication.
Coding change: c.130dup on transcript NM_021728.4 (MANE Select); coding-DNA position 130, one base duplicated (C; older notation c.130dupC).
Protein change: p.Arg44fs; shifts the reading frame from arginine 44.
Molecular consequence: frameshift variant.
Genome position (GRCh38, 1-based): chr14:56,804,331, G duplicated on the plus strand (C on the coding strand, the reverse complement: OTX2 is on the minus strand); the first of 6 consecutive G bases (chr14:56,804,331-56,804,336); duplicating any one gives the same sequence. VCF-style (leftmost placement, unchanged base first): chr14-56804330-C-CG. GRCh37 (hg19) VCF-style: chr14-57271048-C-CG.
Other names: c.106dup, p.Arg36fs (NM_001270523.2, NM_001270524.2, NM_172337.3); c.130dup, p.Arg44fs (NM_001270525.2); short protein forms R36fs, R44fs.
Identifiers: ClinVar variation 1254572 (VCV001254572.4), dbSNP rs758119168, ClinGen allele CA7200545.

ClinVar aggregate classification (germline): Pathogenic. Review status: criteria provided, multiple submitters, no conflicts (2 of 4 stars). 2 submissions from 2 submitters: Pathogenic (2). Last evaluated 2023-12-19.

Conditions:
OTX2-related disorder. Also called: OTX2-related disorders; OTX2-related condition.

Submissions (2):

Blueprint Genetics
Classification: Pathogenic for OTX2-related disorders. Last evaluated: 2023-12-19. Review status: criteria provided, single submitter. Criteria: ACMG Guidelines, 2015. Collection method: clinical testing. Allele origin: de novo. Affected: yes. Observed: 1 variant allele.

GeneDx
Classification: Pathogenic. Last evaluated: 2023-08-03. Review status: criteria provided, single submitter. Criteria: GeneDx Variant Classification Process June 2021. Collection method: clinical testing. Allele origin: germline. Affected: yes.
Comment: Frameshift variant predicted to result in protein truncation, as the last 254 amino acids are replaced with 51 different amino acids, and other loss-of-function variants have been reported downstream in the Human Gene Mutation Database (HGMD); Not observed at significant frequency in large population cohorts (gnomAD); This variant is associated with the following publications: (PMID: 18781617)